The following is an entry in ClinVar:

NM_020831.6(MRTFA):c.2866C>T (p.His956Tyr)

Gene: MRTFA (myocardin related transcription factor A; minus strand). Cytogenetic location: 22q13.1.
Variant type: single nucleotide variant.
Coding change: c.2866C>T on transcript NM_020831.6 (MANE Select); coding-DNA position 2866, C replaced by T.
Protein change: p.His956Tyr; replaces histidine 956 with tyrosine.
Molecular consequence: missense variant. On other transcripts: 3 prime UTR variant (1).
Genome position (GRCh38, 1-based): chr22:40,411,620, G>A on the plus strand (C>T on the coding strand, the complement: MRTFA is on the minus strand). VCF-style: chr22-40411620-G-A. GRCh37 (hg19) VCF-style: chr22-40807624-G-A.
Other names: c.2566C>T, p.His856Tyr (NM_001282660.2); c.2716C>T, p.His906Tyr (NM_001282661.3); c.*179C>T (NM_001282662.3); c.2671C>T, p.His891Tyr (NM_001318139.2); short protein forms H856Y, H906Y, H891Y, H956Y.
Identifiers: ClinVar variation 4749581 (VCV004749581.1).
Genomic context (GRCh38, chr22:40,411,620, plus strand): 5'-TGGTGCTGCTGGGCTCAGGAACAAAGTGCAATTCCGAGGTGTCCATGGGTGACGGGGGGT[G>A]GTCCAGGATGGCAGTGCTGCTCAGCATCTGGCTATGGAGGTCGTCAATGAGGGAAAGGGG-3'
Protein context (NP_065882.2, residues 946-966): QMLSSTAILD[His956Tyr]PPSPMDTSEL

ClinVar aggregate classification (germline): Uncertain significance (1 of 4 stars; one submission).

Submission:

Labcorp Genetics (formerly Invitae), Labcorp
Classification: Uncertain significance. Last evaluated: 2025-05-26. Review status: criteria provided, single submitter. Criteria: Invitae Variant Classification Sherloc (09022015). Collection method: clinical testing. Allele origin: germline.
Comment: This sequence change replaces histidine, which is basic and polar, with tyrosine, which is neutral and polar, at codon 856 of the MKL1 protein (p.His856Tyr). This variant is not present in population databases (gnomAD no frequency). This variant has not been reported in the literature in individuals affected with MKL1-related conditions. An algorithm developed to predict the effect of missense changes on protein structure and function (PolyPhen-2) suggests that this variant is likely to be disruptive. In summary, the available evidence is currently insufficient to determine the role of this variant in disease. Therefore, it has been classified as a Variant of Uncertain Significance.